The following is an entry in ClinVar:

ClinVar aggregate classification (germline): Uncertain significance. Review status: criteria provided, multiple submitters, no conflicts (2 of 4 stars). 3 submissions from 3 submitters: Uncertain significance (3). Last evaluated 2024-07-09.

Conditions:
Inborn genetic diseases. Identifiers: MedGen C0950123, MeSH D030342.
3M syndrome 2. Also called: 3-M Syndrome, OBSL1-Related; THREE M SYNDROME 2. Identifiers: Orphanet 2616, MedGen C2752041, MONDO:0013039, OMIM 612921.

Allele frequency attached by ClinVar (database versions not stated): gnomAD exomes 0.00007 and 0.00011; TOPMed 0.00008; gnomAD 0.00009; ExAC 0.00015; 1000 Genomes Project 30x 0.00016; 1000 Genomes Project 0.00020.
gnomAD v4.1: 110 of 1,612,958 alleles (0.0068%); highest among the groups gnomAD compares: Admixed American, 0.01%; no homozygotes.

Submissions (3):

Ambry Genetics
Classification: Uncertain significance for Inborn genetic diseases. Last evaluated: 2024-07-09. Review status: criteria provided, single submitter. Criteria: Ambry Variant Classification Scheme 2023. Collection method: clinical testing. Allele origin: germline.

Labcorp Genetics (formerly Invitae), Labcorp
Classification: Uncertain significance. Last evaluated: 2022-08-05. Review status: criteria provided, single submitter. Criteria: Invitae Variant Classification Sherloc (09022015). Collection method: clinical testing. Allele origin: germline.
Comment: This sequence change replaces arginine, which is basic and polar, with glutamine, which is neutral and polar, at codon 1485 of the OBSL1 protein (p.Arg1485Gln). This variant is present in population databases (rs548462567, gnomAD 0.02%), including at least one homozygous and/or hemizygous individual. This variant has not been reported in the literature in individuals affected with OBSL1-related conditions. ClinVar contains an entry for this variant (Variation ID: 334472). Algorithms developed to predict the effect of missense changes on protein structure and function are either unavailable or do not agree on the potential impact of this missense change (SIFT: "Tolerated"; PolyPhen-2: "Probably Damaging"; Align-GVGD: "Class C0"). In summary, the available evidence is currently insufficient to determine the role of this variant in disease. Therefore, it has been classified as a Variant of Uncertain Significance.

Illumina Laboratory Services, Illumina
Classification: Uncertain significance for 3M syndrome 2. Last evaluated: 2018-01-12. Review status: criteria provided, single submitter. Criteria: ICSL Variant Classification Criteria 13 December 2019. Collection method: clinical testing. Allele origin: germline.

NM_015311.3(OBSL1):c.4454G>A (p.Arg1485Gln)

Gene: OBSL1 (obscurin like cytoskeletal adaptor 1; minus strand). Cytogenetic location: 2q35.
Variant type: single nucleotide variant.
Coding change: c.4454G>A on transcript NM_015311.3 (MANE Select); coding-DNA position 4454, G replaced by A.
Protein change: p.Arg1485Gln; replaces arginine 1485 with glutamine.
Molecular consequence: missense variant.
Genome position (GRCh38, 1-based): chr2:219,556,175, C>T on the plus strand (G>A on the coding strand, the complement: OBSL1 is on the minus strand). VCF-style: chr2-219556175-C-T. GRCh37 (hg19) VCF-style: chr2-220420897-C-T.
Other names: c.4454G>A, p.Arg1485Gln (NM_001173431.2); short protein forms R1485Q.
Identifiers: ClinVar variation 334472 (VCV000334472.11), dbSNP rs548462567, ClinGen allele CA2130538.